The following is an entry in ClinVar:

NM_001128178.3(NPHP1):c.1861G>C (p.Glu621Gln)

Gene: NPHP1 (nephrocystin 1; minus strand). Cytogenetic location: 2q13.
Variant type: single nucleotide variant.
Coding change: c.1861G>C on transcript NM_001128178.3 (MANE Select); coding-DNA position 1861, G replaced by C.
Protein change: p.Glu621Gln; replaces glutamic acid 621 with glutamine.
Molecular consequence: missense variant. On other transcripts: 3 prime UTR variant (1).
Genome position (GRCh38, 1-based): chr2:110,123,964, C>G on the plus strand (G>C on the coding strand, the complement: NPHP1 is on the minus strand). VCF-style: chr2-110123964-C-G. GRCh37 (hg19) VCF-style: chr2-110881541-C-G.
Other names: c.2029G>C, p.Glu677Gln (NM_000272.5); c.1672G>C, p.Glu558Gln (NM_001128179.3); c.1858G>C, p.Glu620Gln (NM_001374256.1); c.*103G>C (NM_001374257.1); c.2026G>C, p.Glu676Gln (NM_207181.4); short protein forms E677Q, E676Q, E558Q, E621Q, E620Q.
Identifiers: ClinVar variation 216416 (VCV000216416.19), dbSNP rs780427871, ClinGen allele CA336743.
Genomic context (GRCh38, chr2:110,123,964, plus strand): 5'-CTTGGTTTTGCTTAAGGAAGTCAGTGATAACTTTCCACCGTGCAGTCTCAGTCTCTTCTT[C>G]TGCCCACCTGAATGGGGGTAGGCGTGTGGAGTGGAGAAGTGGGAGCACGCAGTCATGGTA-3'
Protein context (NP_001121650.1, residues 611-631): STRLPPFRWA[Glu621Gln]EETETARWKV

ClinVar aggregate classification (germline): Conflicting classifications of pathogenicity. Review status: criteria provided, conflicting classifications (1 of 4 stars). 10 submissions from 8 submitters: Uncertain significance (9); Likely benign (1). Last evaluated 2025-04-22.

Conditions:
NPHP1-related disorder. Also called: NPHP1-related condition; NPHP1-related disorders.
Inborn genetic diseases. Identifiers: MedGen C0950123, MeSH D030342.
Nephronophthisis. Also called: Juvenile Nephronophthisis. Identifiers: Orphanet 655, MedGen C0687120, MONDO:0019005, HP:0000090.
Joubert syndrome with renal defect. Also called: JOUBERT SYNDROME 4. Identifiers: Orphanet 220497, MedGen C1846790, MONDO:0012308, OMIM 609583.
Nephronophthisis 1 (NPHP1). Also called: Nephronophthisis familial juvenile. Identifiers: Orphanet 655, Orphanet 93592, MedGen C1855681, MONDO:0009728, OMIM 256100.
Senior-Loken syndrome 1 (SLSN1). Also called: JUVENILE NEPHRONOPHTHISIS WITH LEBER AMAUROSIS. Identifiers: Orphanet 3156, MedGen C4551559, MONDO:0009962, OMIM 266900.

Allele frequency attached by ClinVar (database versions not stated): gnomAD exomes 0.00014 and 0.00012; gnomAD 0.00004 and 0.00005; TOPMed 0.00006; ExAC 0.00012.
gnomAD v4.1: 187 of 1,614,042 alleles (0.012%); highest among the groups gnomAD compares: East Asian, 0.39%; no homozygotes.

Submissions (10):

PreventionGenetics, part of Exact Sciences
Classification: Uncertain significance for NPHP1-related condition. Last evaluated: 2025-04-22. Review status: criteria provided, single submitter. Criteria: ACMG Guidelines, 2015. Collection method: clinical testing. Allele origin: germline.
Comment: The NPHP1 c.2029G>C variant is predicted to result in the amino acid substitution p.Glu677Gln. This variant has been reported in patients with nephronophthisis (Sugimoto et al. 2016. PubMed ID: 26499951), nephronophthisis-related ciliopathy (Kang et al. 2016. PubMed ID: 27491411), and Bardet-Biedl syndrome (Qi et al. 2017. PubMed ID: 28624958). This variant is reported in 0.16% of alleles in individuals of East Asian descent in gnomAD. At this time, the clinical significance of this variant is uncertain due to the absence of conclusive functional and genetic evidence.

Women's Health and Genetics/Laboratory Corporation of America, LabCorp
Classification: Likely benign. Last evaluated: 2022-08-23. Review status: criteria provided, single submitter. Criteria: LabCorp Variant Classification Summary - May 2015. Collection method: clinical testing. Allele origin: germline.
Comment: Variant summary: NPHP1 c.2029G>C (p.Glu677Gln) results in a conservative amino acid change in the encoded protein sequence. Four of five in-silico tools predict a damaging effect of the variant on protein function. The variant allele was found at a frequency of 0.00014 in 251488 control chromosomes, predominantly at a frequency of 0.0016 within the East Asian subpopulation in the gnomAD database. The observed variant frequency within East Asian control individuals in the gnomAD database is approximately 3-fold of the estimated maximal expected allele frequency for a pathogenic variant in NPHP1 causing Joubert Syndrome And Related Disorders (0.00056), suggesting that the variant may be a benign polymorphism found primarily in populations of East Asian origin. c.2029G>C has been reported in the literature in the heterozygous state in settings of WES and multigene panel testing primarily in East Asian individuals affected with disorders related to Joubert syndrome, including retinitis pigmentosa and nephronophthisis, without strong evidence for causality (e.g. Fu_2013, Katagiri_2014, Sugimoto_2016, Kang_2016, Mori_2017, Qi_2017, Luo_2020). These report(s) do not provide unequivocal conclusions about association of the variant with Joubert syndrome and related disorders. To our knowledge, no experimental evidence demonstrating an impact on protein function has been reported. Three clinical diagnostic laboratories have submitted clinical-significance assessments for this variant to ClinVar after 2014 and all classified the variant as uncertain significance. Based on the evidence outlined above, the variant was classified as likely benign.

Labcorp Genetics (formerly Invitae), Labcorp
Classification: Uncertain significance for Nephronophthisis. Last evaluated: 2022-08-16. Review status: criteria provided, single submitter. Criteria: Invitae Variant Classification Sherloc (09022015). Collection method: clinical testing. Allele origin: germline.
Comment: This sequence change replaces glutamic acid, which is acidic and polar, with glutamine, which is neutral and polar, at codon 677 of the NPHP1 protein (p.Glu677Gln). This variant is present in population databases (rs780427871, gnomAD 0.2%). This missense change has been observed in individual(s) with nephronophthisis and Bardet-Biedl syndrome (PMID: 27491411, 28624958). ClinVar contains an entry for this variant (Variation ID: 216416). Algorithms developed to predict the effect of missense changes on protein structure and function are either unavailable or do not agree on the potential impact of this missense change (SIFT: "Deleterious"; PolyPhen-2: "Probably Damaging"; Align-GVGD: "Class C0"). In summary, the available evidence is currently insufficient to determine the role of this variant in disease. Therefore, it has been classified as a Variant of Uncertain Significance.

Fulgent Genetics
Classification: Uncertain significance for Nephronophthisis 1; Senior-Loken syndrome 1; Joubert syndrome with renal defect. Last evaluated: 2022-02-22. Review status: criteria provided, single submitter. Criteria: ACMG Guidelines, 2015. Collection method: clinical testing. Allele origin: unknown.

Blueprint Genetics
Classification: Uncertain significance. Last evaluated: 2021-09-26. Review status: criteria provided, single submitter. Criteria: ACMG Guidelines, 2015. Collection method: clinical testing. Allele origin: germline.

Ambry Genetics
Classification: Uncertain significance for Inborn genetic diseases. Last evaluated: 2021-04-20. Review status: criteria provided, single submitter. Criteria: Ambry Variant Classification Scheme 2023. Collection method: clinical testing. Allele origin: germline.

Eurofins Ntd Llc (ga)
Classification: Uncertain significance. Last evaluated: 2017-11-06. Review status: criteria provided, single submitter. Criteria: EGL Classification Definitions 2015. Collection method: clinical testing. Allele origin: germline. Observed: 2 variant alleles, 2 heterozygotes.

Illumina Laboratory Services, Illumina
Classification: Uncertain significance for Joubert syndrome with renal defect. Last evaluated: 2017-04-27. Review status: criteria provided, single submitter. Criteria: ICSL Variant Classification Criteria 13 December 2019. Collection method: clinical testing. Allele origin: germline.

Illumina Laboratory Services, Illumina
Classification: Uncertain significance for Nephronophthisis 1. Last evaluated: 2017-04-27. Review status: criteria provided, single submitter. Criteria: ICSL Variant Classification Criteria 13 December 2019. Collection method: clinical testing. Allele origin: germline.

Illumina Laboratory Services, Illumina
Classification: Uncertain significance for Senior-Loken syndrome 1. Last evaluated: 2017-04-27. Review status: criteria provided, single submitter. Criteria: ICSL Variant Classification Criteria 13 December 2019. Collection method: clinical testing. Allele origin: germline.

Literature cited by the submitters: PubMed 27491411 (cited by 3 submitters); PubMed 25268133 (cited by Women's Health and Genetics/Laboratory Corporation of America, LabCorp); PubMed 23661369 (cited by Women's Health and Genetics/Laboratory Corporation of America, LabCorp); PubMed 33193692 (cited by Women's Health and Genetics/Laboratory Corporation of America, LabCorp); PubMed 26920127 (cited by Women's Health and Genetics/Laboratory Corporation of America, LabCorp); PubMed 28624958 (cited by 3 submitters); PubMed 26499951 (cited by Women's Health and Genetics/Laboratory Corporation of America, LabCorp).